The following is an entry in ClinVar:

NC_000012.11:g.(?_58142298)_(58145510_?)dup

Genes: CDK4 (cyclin dependent kinase 4; minus strand), MIR6759 (microRNA 6759; minus strand), TSPAN31 (tetraspanin 31; plus strand), LOC130008148 (ATAC-STARR-seq lymphoblastoid silent region 4588; plus strand). Cytogenetic location: 12q14.1.
Variant type: Duplication.
Identifiers: ClinVar variation 583824 (VCV000583824.3).

ClinVar aggregate classification (germline): Uncertain significance (1 of 4 stars; one submission).

Conditions:
Familial melanoma. Also called: Hereditary melanoma; Hereditary cutaneous melanoma. Identifiers: Orphanet 618, MedGen C1512419, MONDO:0018961.

Submission:

Labcorp Genetics (formerly Invitae), Labcorp
Classification: Uncertain significance for Hereditary cutaneous melanoma. Last evaluated: 2019-10-31. Review status: criteria provided, single submitter. Criteria: Invitae Variant Classification Sherloc (09022015). Collection method: clinical testing. Allele origin: germline.
Comment: This variant results in a copy number gain of the genomic region encompassing the full coding sequence of the CDK4 gene. The boundaries of this event are unknown as they extend beyond the assayed region for this gene and therefore may encompass additional genes. As the precise location of this event is unknown, it may be in tandem or it may be located elsewhere in the genome. This variant has not been reported in the literature in individuals with CDK4-related conditions. In summary, the available evidence is currently insufficient to determine the role of this variant in disease. Therefore, it has been classified as a Variant of Uncertain Significance.